The following is an entry in ClinVar:

NM_003579.4(RAD54L):c.446T>C (p.Leu149Pro)

Gene: RAD54L (RAD54 like; plus strand). Cytogenetic location: 1p34.1.
Variant type: single nucleotide variant.
Coding change: c.446T>C on transcript NM_003579.4 (MANE Select); coding-DNA position 446, T replaced by C.
Protein change: p.Leu149Pro; replaces leucine 149 with proline.
Molecular consequence: missense variant. On other transcripts: 5 prime UTR variant (1).
Genome position (GRCh38, 1-based): chr1:46,260,580, T>C. VCF-style: chr1-46260580-T-C. GRCh37 (hg19) VCF-style: chr1-46726252-T-C.
Other names: c.446T>C, p.Leu149Pro (NM_001142548.2); c.-95T>C (NM_001370766.1); short protein forms L149P.
Identifiers: ClinVar variation 1740824 (VCV001740824.2), dbSNP rs1008084545, ClinGen allele CA340184914.

ClinVar aggregate classification (germline): Uncertain significance (1 of 4 stars; one submission).

Submission:

Ambry Genetics
Classification: Uncertain significance. Last evaluated: 2021-09-01. Review status: criteria provided, single submitter. Criteria: Ambry Variant Classification Scheme 2023. Collection method: clinical testing. Allele origin: germline.
Comment: The p.L149P variant (also known as c.446T>C), located in coding exon 6 of the RAD54L gene, results from a T to C substitution at nucleotide position 446. The leucine at codon 149 is replaced by proline, an amino acid with similar properties. This amino acid position is conserved. In addition, this alteration is predicted to be deleterious by in silico analysis. Since supporting evidence is limited at this time, the clinical significance of this alteration remains unclear.